The following is an entry in ClinVar:

NM_004700.4(KCNQ4):c.1513+10C>T

Gene: KCNQ4 (potassium voltage-gated channel subfamily Q member 4; plus strand). Cytogenetic location: 1p34.2.
Variant type: single nucleotide variant.
Coding change: c.1513+10C>T on transcript NM_004700.4 (MANE Select); 10 bases into the intron after coding-DNA position 1513, C replaced by T.
Molecular consequence: intron variant.
Genome position (GRCh38, 1-based): chr1:40,831,314, C>T. VCF-style: chr1-40831314-C-T. GRCh37 (hg19) VCF-style: chr1-41296986-C-T.
Other names: c.1351+10C>T (NM_172163.3); c.1513+10C>T (NM_004700.3).
Identifiers: ClinVar variation 1529391 (VCV001529391.9), dbSNP rs766234239, ClinGen allele CA794898.

ClinVar aggregate classification (germline): Likely benign. Review status: criteria provided, multiple submitters, no conflicts (2 of 4 stars). 2 submissions from 2 submitters: Likely benign (2). Last evaluated 2026-08-10.

Conditions:
KCNQ4-related disorder. Also called: KCNQ4-related condition.

Allele frequency attached by ClinVar (database versions not stated): gnomAD 0.00001; gnomAD exomes 0.00002 and 0.00012; TOPMed 0.00002; ExAC 0.00024.
gnomAD v4.1: 28 of 1,579,822 alleles (0.0018%); highest among the groups gnomAD compares: Admixed American, 0.033%; no homozygotes.

Submissions (2):

PreventionGenetics, part of Exact Sciences
Classification: Likely benign for KCNQ4-related condition. Last evaluated: 2026-08-10. Review status: criteria provided, single submitter. Criteria: ACMG Guidelines, 2015. Collection method: clinical testing. Allele origin: germline.
Comment: This variant is classified as likely benign based on ACMG/AMP sequence variant interpretation guidelines (Richards et al. 2015 PMID: 25741868, with internal and published modifications).

Labcorp Genetics (formerly Invitae), Labcorp
Classification: Likely benign. Last evaluated: 2021-02-10. Review status: criteria provided, single submitter. Criteria: Invitae Variant Classification Sherloc (09022015). Collection method: clinical testing. Allele origin: germline.